The following is an entry in ClinVar:

NM_001113491.2(SEPTIN9):c.1043-4G>A

Gene: SEPTIN9 (septin 9; plus strand). Cytogenetic location: 17q25.3.
Variant type: single nucleotide variant.
Coding change: c.1043-4G>A on transcript NM_001113491.2 (MANE Select); 4 bases into the intron before coding-DNA position 1043, G replaced by A.
Molecular consequence: intron variant.
Genome position (GRCh38, 1-based): chr17:77,488,236, G>A. VCF-style: chr17-77488236-G-A. GRCh37 (hg19) VCF-style: chr17-75484318-G-A.
Other names: p.?; c.986-4G>A (NM_001293695.2); c.551-4G>A (NM_001113492.2, NM_001113494.1); c.989-4G>A (NM_006640.5); c.1022-4G>A (NM_001113493.2); c.371-4G>A (NM_001293696.2); c.290-4G>A (NM_001113496.2, NM_001293697.2, NM_001293698.2 and 1 more transcripts); c.1043-4G>A (NM_001113491.1).
Identifiers: ClinVar variation 325556 (VCV000325556.18), dbSNP rs147213134, ClinGen allele CA8793668.
Genomic context (GRCh38, chr17:77,488,236, plus strand): 5'-GGTGTGGGGTGTCTGTGAGGGTCTTCCGTCTCCCCTCTGACTCTGCGTCCGTGGCTCTGT[G>A]CAGATATTGAGGAGAAAGGCGTCCGGATGAAGCTGACAGTGATTGACACACCAGGGTTCG-3'

ClinVar aggregate classification (germline): Benign/Likely benign. Review status: criteria provided, multiple submitters, no conflicts (2 of 4 stars). 6 submissions from 6 submitters: Benign (5); Likely benign (1). Last evaluated 2026-08-21.

Conditions:
Amyotrophic neuralgia (HNA). Also called: AMYOTROPHY, HEREDITARY NEURALGIC, WITH PREDILECTION FOR BRACHIAL PLEXUS; AMYOTROPHY, HEREDITARY NEURALGIC; Hereditary Brachial Plexus Neuropathy; Neuritis with Brachial Predilection. Identifiers: Orphanet 2901, MedGen C1834304, MONDO:0008076, OMIM 162100.
SEPTIN9-related disorder. Also called: SEPTIN9-related condition.

Allele frequency attached by ClinVar (database versions not stated): gnomAD exomes 0.00129 and 0.00321; ExAC 0.00333; gnomAD 0.00900 and 0.00950; ESP Exome Variant Server 0.00914; 1000 Genomes Project 0.00958; 1000 Genomes Project 30x 0.00968; TOPMed 0.01001.
gnomAD v4.1: 3,404 of 1,613,684 alleles (0.21%); highest among the groups gnomAD compares: African/African-American, 2.6%; 40 homozygotes.

Submissions (6):

PreventionGenetics, part of Exact Sciences
Classification: Benign for SEPTIN9-related condition. Last evaluated: 2026-08-21. Review status: criteria provided, single submitter. Criteria: ACMG Guidelines, 2015. Collection method: clinical testing. Allele origin: germline.
Comment: This variant is classified as benign based on ACMG/AMP sequence variant interpretation guidelines (Richards et al. 2015 PMID: 25741868, with internal and published modifications).

Labcorp Genetics (formerly Invitae), Labcorp
Classification: Benign. Last evaluated: 2026-01-29. Review status: criteria provided, single submitter. Criteria: Invitae Variant Classification Sherloc (09022015). Collection method: clinical testing. Allele origin: germline.

Mayo Clinic Laboratories, Mayo Clinic
Classification: Benign. Last evaluated: 2025-08-27. Review status: criteria provided, single submitter. Criteria: ACMG Guidelines, 2015. Collection method: clinical testing. Allele origin: germline. Observed: 3 variant alleles.

Genome-Nilou Lab
Classification: Benign for Amyotrophic neuralgia. Last evaluated: 2021-12-05. Review status: criteria provided, single submitter. Criteria: ACMG Guidelines, 2015. Collection method: clinical testing. Allele origin: germline. Affected: no.

GeneDx
Classification: Likely benign. Last evaluated: 2021-01-30. Review status: criteria provided, single submitter. Criteria: GeneDx Variant Classification Process June 2021. Collection method: clinical testing. Allele origin: germline. Affected: yes.

Illumina Laboratory Services, Illumina
Classification: Benign for Amyotrophy, hereditary neuralgic. Last evaluated: 2018-01-13. Review status: criteria provided, single submitter. Criteria: ICSL Variant Classification Criteria 13 December 2019. Collection method: clinical testing. Allele origin: germline.
Comment: This variant was observed in the ICSL laboratory as part of a predisposition screen in an ostensibly healthy population. It had not been previously curated by ICSL or reported in the Human Gene Mutation Database (HGMD: prior to June 1st, 2018), and was therefore a candidate for classification through an automated scoring system. Utilizing variant allele frequency, disease prevalence and penetrance estimates, and inheritance mode, an automated score was calculated to assess if this variant is too frequent to cause the disease. Based on the score and internal cut-off values, a variant classified as benign is not then subjected to further curation. The score for this variant resulted in a classification of benign for this disease.